The following is an entry in ClinVar:

NM_022455.5(NSD1):c.1816A>T (p.Lys606Ter)

Gene: NSD1 (nuclear receptor binding SET domain protein 1; plus strand). Cytogenetic location: 5q35.3.
Variant type: single nucleotide variant.
Coding change: c.1816A>T on transcript NM_022455.5 (MANE Select); coding-DNA position 1816, A replaced by T.
Protein change: p.Lys606Ter; replaces lysine 606 with a stop codon.
Molecular consequence: nonsense.
Genome position (GRCh38, 1-based): chr5:177,210,215, A>T. VCF-style: chr5-177210215-A-T. GRCh37 (hg19) VCF-style: chr5-176637216-A-T.
Other names: c.943A>T, p.Lys315Ter (NM_001365684.2, NM_001409306.1, NM_001409307.1 and 3 more transcripts); c.1816A>T, p.Lys606Ter (NM_001409301.1, NM_001409302.1, NM_001409303.1); c.1396A>T, p.Lys466Ter (NM_001409304.1); c.1063A>T, p.Lys355Ter (NM_001409305.1); short protein forms K606*, K337*, K466*, K355*, K315*.
Identifiers: ClinVar variation 454044 (VCV000454044.4), dbSNP rs1554189131, ClinGen allele CA362311511.
Genomic context (GRCh38, chr5:177,210,215, plus strand): 5'-AATGGTGACTCTTTATTGGGCTTGCCTGAGGGTGCTTTGATCTCAAAGTGTTCTCGAGAG[A>T]AGAATAAACCCCAACGAAGCCTGGTGTGTGGTTCAAAAGTGAAGCTCTGCTATATTGGAG-3'

ClinVar aggregate classification (germline): Pathogenic (1 of 4 stars; one submission).

Conditions:
Beckwith-Wiedemann syndrome (BWS). Also called: EMG SYNDROME; Exomphalos macroglossia gigantism syndrome. Identifiers: Orphanet 116, MedGen C0004903, MONDO:0007534, OMIM 130650.

Submission:

Labcorp Genetics (formerly Invitae), Labcorp
Classification: Pathogenic for Beckwith-Wiedemann syndrome. Last evaluated: 2017-05-11. Review status: criteria provided, single submitter. Criteria: Invitae Variant Classification Sherloc (09022015). Collection method: clinical testing. Allele origin: germline.
Comment: This sequence change creates a premature translational stop signal at codon 606 (p.Lys606*) of the NSD1 gene. It is expected to result in an absent or disrupted protein product. While this particular variant has not been reported in the literature, loss-of-function variants in NSD1 are known to be pathogenic (PMID: 12807965, 15942875, 17565729). For these reasons, this variant has been classified as Pathogenic.